The following is an entry in ClinVar:

ClinVar aggregate classification (germline): Uncertain significance. Review status: criteria provided, multiple submitters, no conflicts (2 of 4 stars). 3 submissions from 3 submitters: Uncertain significance (3). Last evaluated 2023-07-06.

Conditions:
Inborn genetic diseases. Identifiers: MedGen C0950123, MeSH D030342.

Allele frequency attached by ClinVar (database versions not stated): ESP Exome Variant Server 0.00008; TOPMed 0.00008.
gnomAD v4.1: 316 of 1,613,720 alleles (0.02%); highest among the groups gnomAD compares: Non-Finnish European, 0.025%; no homozygotes.

Submissions (3):

GeneDx
Classification: Uncertain significance. Last evaluated: 2023-07-06. Review status: criteria provided, single submitter. Criteria: GeneDx Variant Classification Process June 2021. Collection method: clinical testing. Allele origin: germline. Affected: yes.
Comment: Has not been previously published as pathogenic or benign to our knowledge; In silico analysis supports that this missense variant has a deleterious effect on protein structure/function

Labcorp Genetics (formerly Invitae), Labcorp
Classification: Uncertain significance. Last evaluated: 2022-08-09. Review status: criteria provided, single submitter. Criteria: Invitae Variant Classification Sherloc (09022015). Collection method: clinical testing. Allele origin: germline.
Comment: This sequence change replaces threonine, which is neutral and polar, with isoleucine, which is neutral and non-polar, at codon 1081 of the AP3B2 protein (p.Thr1081Ile). This variant is present in population databases (rs201428733, gnomAD 0.02%). This variant has not been reported in the literature in individuals affected with AP3B2-related conditions. ClinVar contains an entry for this variant (Variation ID: 1394935). Algorithms developed to predict the effect of missense changes on protein structure and function are either unavailable or do not agree on the potential impact of this missense change (SIFT: "Tolerated"; PolyPhen-2: "Possibly Damaging"; Align-GVGD: "Class C0"). In summary, the available evidence is currently insufficient to determine the role of this variant in disease. Therefore, it has been classified as a Variant of Uncertain Significance.

Ambry Genetics
Classification: Uncertain significance for Inborn genetic diseases. Last evaluated: 2022-01-04. Review status: criteria provided, single submitter. Criteria: Ambry Variant Classification Scheme 2023. Collection method: clinical testing. Allele origin: germline.

NM_001278512.2(AP3B2):c.3299C>T (p.Thr1100Ile)

Genes: AP3B2 (adaptor related protein complex 3 subunit beta 2; minus strand), CPEB1-AS1 (CPEB1 antisense RNA 1; plus strand). Cytogenetic location: 15q25.2.
Variant type: single nucleotide variant.
Coding change: c.3299C>T on transcript NM_001278512.2 (MANE Select); coding-DNA position 3299, C replaced by T.
Protein change: p.Thr1100Ile; replaces threonine 1100 with isoleucine.
Molecular consequence: missense variant.
Genome position (GRCh38, 1-based): chr15:82,659,567, G>A on the plus strand (C>T on the coding strand, the complement: AP3B2 is on the minus strand). VCF-style: chr15-82659567-G-A. GRCh37 (hg19) VCF-style: chr15-83328319-G-A.
Other names: c.3146C>T, p.Thr1049Ile (NM_001278511.2); c.431C>T, p.Thr144Ile (NM_001348441.2); c.3242C>T, p.Thr1081Ile (NM_004644.5); c.3242C>T (NM_004644.3); short protein forms T1049I, T144I, T1081I, T1100I.
Identifiers: ClinVar variation 1394935 (VCV001394935.5), dbSNP rs201428733, ClinGen allele CA7699644.